The following is an entry in ClinVar:

ClinVar aggregate classification (germline): Pathogenic/Likely pathogenic. Review status: criteria provided, multiple submitters, no conflicts (2 of 4 stars). 3 submissions from 3 submitters: Pathogenic (2); Likely pathogenic (1). Last evaluated 2026-01-13.

Conditions:
Cone-rod dystrophy 2 (CORD2). Also called: CONE-ROD RETINAL DYSTROPHY; Cone-rod retinal dystrophy 2. Identifiers: Orphanet 1872, MedGen C3489532, MONDO:0007362, OMIM 120970.
Leber congenital amaurosis 7 (LCA7). Identifiers: Orphanet 65, MedGen C3151192, MONDO:0013449, OMIM 613829.
CRX-related disorders.

Allele frequency attached by ClinVar (database versions not stated): gnomAD exomes below 0.00001; TOPMed below 0.00001; ExAC 0.00001; gnomAD 0.00001.

Submissions (3):

Labcorp Genetics (formerly Invitae), Labcorp
Classification: Pathogenic for Cone-rod dystrophy 2; Leber congenital amaurosis 7. Last evaluated: 2026-01-13. Review status: criteria provided, single submitter. Criteria: Invitae Variant Classification Sherloc (09022015). Collection method: clinical testing. Allele origin: germline.
Comment: This sequence change replaces arginine, which is basic and polar, with histidine, which is basic and polar, at codon 43 of the CRX protein (p.Arg43His). This variant is present in population databases (rs771736389, gnomAD 0.0009%). This missense change has been observed in individuals with clinical features of autosomal dominant CRX-related conditions (PMID: 31626798; internal data). ClinVar contains an entry for this variant (Variation ID: 956064). Invitae Evidence Modeling of protein sequence and biophysical properties (such as structural, functional, and spatial information, amino acid conservation, physicochemical variation, residue mobility, and thermodynamic stability) indicates that this missense variant is expected to disrupt CRX protein function with a positive predictive value of 95%. This variant disrupts the p.Arg43 amino acid residue in CRX. Other variant(s) that disrupt this residue have been determined to be pathogenic (PMID: 26992781, 30718709, 31626798). This suggests that this residue is clinically significant, and that variants that disrupt this residue are likely to be disease-causing. For these reasons, this variant has been classified as Pathogenic.

Blueprint Genetics
Classification: Pathogenic for CRX-related disorders. Last evaluated: 2023-03-29. Review status: criteria provided, single submitter. Criteria: ACMG Guidelines, 2015. Collection method: clinical testing. Allele origin: germline. Affected: yes. Observed: 5 variant alleles.

GeneDx
Classification: Likely pathogenic. Last evaluated: 2022-10-10. Review status: criteria provided, single submitter. Criteria: GeneDx Variant Classification Process June 2021. Collection method: clinical testing. Allele origin: germline. Affected: yes.
Comment: In silico analysis, which includes protein predictors and evolutionary conservation, supports a deleterious effect; This variant is associated with the following publications: (PMID: 32533067, 31626798)

Literature cited by the submitters: PubMed 31626798 (cited by Labcorp Genetics (formerly Invitae), Labcorp); PubMed 26992781 (cited by Labcorp Genetics (formerly Invitae), Labcorp); PubMed 30718709 (cited by Labcorp Genetics (formerly Invitae), Labcorp).

NM_000554.6(CRX):c.128G>A (p.Arg43His)

Gene: CRX (cone-rod homeobox; plus strand). Cytogenetic location: 19q13.33.
Variant type: single nucleotide variant.
Coding change: c.128G>A on transcript NM_000554.6 (MANE Select); coding-DNA position 128, G replaced by A.
Protein change: p.Arg43His; replaces arginine 43 with histidine.
Molecular consequence: missense variant.
Genome position (GRCh38, 1-based): chr19:47,836,270, G>A. VCF-style: chr19-47836270-G-A. GRCh37 (hg19) VCF-style: chr19-48339527-G-A.
Other names: short protein forms R43H.
Identifiers: ClinVar variation 956064 (VCV000956064.14), dbSNP rs771736389, ClinGen allele CA9544404.